The following is an entry in ClinVar:

NM_000540.3(RYR1):c.6629T>A (p.Val2210Asp)

Gene: RYR1 (ryanodine receptor 1; plus strand). Cytogenetic location: 19q13.2.
Variant type: single nucleotide variant.
Coding change: c.6629T>A on transcript NM_000540.3 (MANE Select); coding-DNA position 6629, T replaced by A.
Protein change: p.Val2210Asp; replaces valine 2210 with aspartic acid.
Molecular consequence: missense variant.
Genome position (GRCh38, 1-based): chr19:38,496,295, T>A. VCF-style: chr19-38496295-T-A. GRCh37 (hg19) VCF-style: chr19-38986935-T-A.
Other names: c.6629T>A, p.Val2210Asp (NM_001042723.2); short protein forms V2210D.
Identifiers: ClinVar variation 544375 (VCV000544375.8), dbSNP rs1555782178, ClinGen allele CA405665984.

ClinVar aggregate classification (germline): Uncertain significance (1 of 4 stars; one submission).

Conditions:
RYR1-related disorder. Also called: RYR1-related condition; RYR1-related disorders. Identifiers: MedGen CN239331.

Submission:

Labcorp Genetics (formerly Invitae), Labcorp
Classification: Uncertain significance for RYR1-related disorder. Last evaluated: 2018-06-11. Review status: criteria provided, single submitter. Criteria: Invitae Variant Classification Sherloc (09022015). Collection method: clinical testing. Allele origin: germline.
Comment: In summary, the available evidence is currently insufficient to determine the role of this variant in disease. Therefore, it has been classified as a Variant of Uncertain Significance. This sequence change replaces valine with aspartic acid at codon 2210 of the RYR1 protein (p.Val2210Asp). The valine residue is highly conserved and there is a large physicochemical difference between valine and aspartic acid. This variant is not present in population databases (ExAC no frequency). This variant has not been reported in the literature in individuals with RYR1-related disease. Algorithms developed to predict the effect of missense changes on protein structure and function do not agree on the potential impact of this missense change (SIFT: "Deleterious"; PolyPhen-2: "Benign"; Align-GVGD: "Class C0"). This missense change is located in a region of the RYR1 protein where a significant number of previously reported RYR1 missense mutations are found (PMID: 16084090). These observations suggest that a previously unreported missense substitution within this region may affect protein function, but experiments have not been done to test this possibility. A different missense substitution at this codon (p.Val2210Phe) has been reported in an individual with malignant hyperthermia, however, the clinical significance of this variant is unknown (PMID: 15731587).

Literature cited by the submitters: PubMed 16084090; PubMed 15731587.